The following is an entry in ClinVar:

ClinVar aggregate classification (germline): Uncertain significance. Review status: criteria provided, single submitter (1 of 4 stars). 2 submissions from 2 submitters: Uncertain significance (1). 1 of the submissions does not count toward it. Last evaluated 2024-12-03.

Conditions:
Usher syndrome type 1B (USH1B). Also called: Usher syndrome type IB. Identifiers: MedGen C1848638, MONDO:0700087.

Allele frequency attached by ClinVar (database versions not stated): gnomAD 0.00004; gnomAD exomes 0.00001; TOPMed 0.00002.
gnomAD v4.1: 8 of 1,556,584 alleles (0.00051%); highest among the groups gnomAD compares: African/African-American, 0.011%; no homozygotes.

Submissions (2):

Labcorp Genetics (formerly Invitae), Labcorp
Classification: Uncertain significance. Last evaluated: 2024-12-03. Review status: criteria provided, single submitter. Criteria: Invitae Variant Classification Sherloc (09022015). Collection method: clinical testing. Allele origin: germline.
Comment: This sequence change replaces leucine, which is neutral and non-polar, with valine, which is neutral and non-polar, at codon 618 of the MYO7A protein (p.Leu618Val). This variant is present in population databases (no rsID available, gnomAD 0.02%). This variant has not been reported in the literature in individuals affected with MYO7A-related conditions. ClinVar contains an entry for this variant (Variation ID: 958863). Invitae Evidence Modeling of protein sequence and biophysical properties (such as structural, functional, and spatial information, amino acid conservation, physicochemical variation, residue mobility, and thermodynamic stability) indicates that this missense variant is expected to disrupt MYO7A protein function with a positive predictive value of 95%. In summary, the available evidence is currently insufficient to determine the role of this variant in disease. Therefore, it has been classified as a Variant of Uncertain Significance.

Natera, Inc.
Classification: Uncertain significance for Usher syndrome type 1B. Last evaluated: 2021-09-30. Review status: no assertion criteria provided. Collection method: clinical testing. Allele origin: germline. Not counted in ClinVar's aggregate classification.

NM_000260.4(MYO7A):c.1852C>G (p.Leu618Val)

Gene: MYO7A (myosin VIIA; plus strand). Cytogenetic location: 11q13.5.
Variant type: single nucleotide variant.
Coding change: c.1852C>G on transcript NM_000260.4 (MANE Select); coding-DNA position 1852, C replaced by G.
Protein change: p.Leu618Val; replaces leucine 618 with valine.
Molecular consequence: missense variant.
Genome position (GRCh38, 1-based): chr11:77,172,802, C>G. VCF-style: chr11-77172802-C-G. GRCh37 (hg19) VCF-style: chr11-76883848-C-G.
Other names: c.1852C>G, p.Leu618Val (NM_001127180.2); c.1819C>G, p.Leu607Val (NM_001369365.1); short protein forms L607V, L618V.
Identifiers: ClinVar variation 958863 (VCV000958863.10), dbSNP rs1450279958, ClinGen allele CA381938398.